The following is an entry in ClinVar:

ClinVar aggregate classification (germline): Uncertain significance. Review status: criteria provided, multiple submitters, no conflicts (2 of 4 stars). 2 submissions from 2 submitters: Uncertain significance (2). Last evaluated 2026-09-08.

Conditions:
Cutis laxa, X-linked (OHS). Also called: EDS IX; Occipital horn syndrome. Identifiers: Orphanet 198, MedGen C0268353, MONDO:0010572, OMIM 304150.
X-linked distal spinal muscular atrophy type 3. Also called: SPINAL MUSCULAR ATROPHY, DISTAL, X-LINKED RECESSIVE; ATP7A-Related Distal Motor Neuropathy; NEURONOPATHY, DISTAL HEREDITARY MOTOR, X-LINKED; NEUROPATHY, DISTAL HEREDITARY MOTOR, X-LINKED. Identifiers: Orphanet 139557, MedGen C1845359, MONDO:0010338, OMIM 300489.
Menkes kinky-hair syndrome (MNK). Also called: Classic Menkes Disease; Menkes Disease; Copper transport disease. Identifiers: Orphanet 565, MedGen C0022716, MONDO:0010651, OMIM 309400.

Allele frequency attached by ClinVar (database versions not stated): gnomAD exomes 0.00002; gnomAD 0.00001 and 0.00002; ExAC 0.00002.

Submissions (2):

GeneDx
Classification: Uncertain significance. Last evaluated: 2026-09-08. Review status: criteria provided, single submitter. Criteria: GeneDx Variant Classification Process June 2021. Collection method: clinical testing. Allele origin: germline.
Comment: Not observed at significant frequency in large population cohorts (gnomAD); In silico analysis supports that this missense variant has a deleterious effect on protein structure/function; Has not been previously published as pathogenic or benign to our knowledge

Labcorp Genetics (formerly Invitae), Labcorp
Classification: Uncertain significance for X-linked distal spinal muscular atrophy type 3; Cutis laxa, X-linked; Menkes kinky-hair syndrome. Last evaluated: 2021-09-01. Review status: criteria provided, single submitter. Criteria: Invitae Variant Classification Sherloc (09022015). Collection method: clinical testing. Allele origin: germline.
Comment: This sequence change replaces glycine with arginine at codon 626 of the ATP7A protein (p.Gly626Arg). The glycine residue is highly conserved and there is a moderate physicochemical difference between glycine and arginine. This variant is present in population databases (rs782396059, ExAC 0.004%). This variant has not been reported in the literature in individuals affected with ATP7A-related conditions. Advanced modeling of protein sequence and biophysical properties (such as structural, functional, and spatial information, amino acid conservation, physicochemical variation, residue mobility, and thermodynamic stability) performed at Invitae indicates that this missense variant is expected to disrupt ATP7A protein function. In summary, the available evidence is currently insufficient to determine the role of this variant in disease. Therefore, it has been classified as a Variant of Uncertain Significance.

NM_000052.7(ATP7A):c.1876G>C (p.Gly626Arg)

Gene: ATP7A (ATPase copper transporting alpha; plus strand). Cytogenetic location: Xq21.1.
Variant type: single nucleotide variant.
Coding change: c.1876G>C on transcript NM_000052.7 (MANE Select); coding-DNA position 1876, G replaced by C.
Protein change: p.Gly626Arg; replaces glycine 626 with arginine.
Molecular consequence: missense variant.
Genome position (GRCh38, 1-based): chrX:78,011,182, G>C. VCF-style: chrX-78011182-G-C. GRCh37 (hg19) VCF-style: chrX-77266679-G-C.
Other names: c.1876G>C (NM_000052.4); c.1876G>C, p.Gly626Arg (NM_001282224.2); short protein forms G626R.
Identifiers: ClinVar variation 1013750 (VCV001013750.8), dbSNP rs782396059, ClinGen allele CA10459152.
Genomic context (GRCh38, chrX:78,011,182, plus strand): 5'-TATACAATATTTATATGTTCAGTGAAATAATTTTTTTCTCATGAATTTCCTTAGAGCTTA[G>C]GTTTTGAAGCTTCTTTGGTCAAGAAGGATCGGTCAGCAAGTCACTTAGATCATAAACGAG-3'
Protein context (NP_000043.4, residues 616-636): RDIIHTIESL[Gly626Arg]FEASLVKKDR